The following is an entry in ClinVar:

NM_000064.4(C3):c.154G>C (p.Asp52His)

Gene: C3 (complement C3; minus strand). Cytogenetic location: 19p13.3.
Variant type: single nucleotide variant.
Coding change: c.154G>C on transcript NM_000064.4 (MANE Select); coding-DNA position 154, G replaced by C.
Protein change: p.Asp52His; replaces aspartic acid 52 with histidine.
Molecular consequence: missense variant.
Genome position (GRCh38, 1-based): chr19:6,719,324, C>G on the plus strand (G>C on the coding strand, the complement: C3 is on the minus strand). VCF-style: chr19-6719324-C-G. GRCh37 (hg19) VCF-style: chr19-6719335-C-G.
Other names: short protein forms D52H.
Identifiers: ClinVar variation 3715770 (VCV003715770.2).
Genomic context (GRCh38, chr19:6,719,324, plus strand): 5'-CACTGGACAGCACTAGTTTTTTGCCTGGGAAGTCGTGGACAGTAACAGTGACTGGAACAT[C>G]CCCTTGCGCGTCGTGGGCCTCCAGCACCATGGTCTCCTCGCTCTCCAGCCGCAAGATGTT-3'
Protein context (NP_000055.2, residues 42-62): MVLEAHDAQG[Asp52His]VPVTVTVHDF

ClinVar aggregate classification (germline): Uncertain significance (1 of 4 stars; one submission).

Submission:

Labcorp Genetics (formerly Invitae), Labcorp
Classification: Uncertain significance. Last evaluated: 2024-10-07. Review status: criteria provided, single submitter. Criteria: Invitae Variant Classification Sherloc (09022015). Collection method: clinical testing. Allele origin: germline.
Comment: This sequence change replaces aspartic acid, which is acidic and polar, with histidine, which is basic and polar, at codon 52 of the C3 protein (p.Asp52His). This variant is not present in population databases (gnomAD no frequency). This variant has not been reported in the literature in individuals affected with C3-related conditions. Invitae Evidence Modeling of protein sequence and biophysical properties (such as structural, functional, and spatial information, amino acid conservation, physicochemical variation, residue mobility, and thermodynamic stability) indicates that this missense variant is expected to disrupt C3 protein function with a positive predictive value of 80%. In summary, the available evidence is currently insufficient to determine the role of this variant in disease. Therefore, it has been classified as a Variant of Uncertain Significance.